The following is an entry in ClinVar:

ClinVar aggregate classification (germline): Uncertain significance (1 of 4 stars; one submission).

Conditions:
Leigh syndrome (NULS). Also called: Leigh's necrotizing encephalopathy; Leigh's disease; Leigh Syndrome (mtDNA deletion); Leigh Disease; Subacute necrotizing encephalopathy; Necrotizing encephalopathy infantile subacute of Leigh. Identifiers: Orphanet 506, MedGen C2931891, MONDO:0009723, OMIM 256000.

Submission:

Wong Mito Lab, Molecular and Human Genetics, Baylor College of Medicine
Classification: Uncertain significance for Leigh syndrome. Last evaluated: 2019-10-17. Review status: criteria provided, single submitter. Criteria: Modified ACMG Guidelines (Unpublished). Collection method: clinical testing. Allele origin: germline.
Comment: The NC_012920.1:m.9169A>G (YP_003024031.1:p.Thr215Ala) variant in MTATP6 gene is interpretated to be a Uncertain Significance variant based on the modified ACMG guidelines (unpublished). This variant meets the following evidence codes: PP6, PP7

NC_012920.1(MT-ATP6):m.9169A>G

Gene: MT-ATP6 (mitochondrially encoded ATP synthase 6; plus strand).
Variant type: single nucleotide variant.
Genome position: chrM-9169-A-G.
Identifiers: ClinVar variation 693115 (VCV000693115.1), dbSNP rs1603222145, ClinGen allele CA414802348.